The following is an entry in ClinVar:

ClinVar aggregate classification (germline): Uncertain significance. Review status: criteria provided, multiple submitters, no conflicts (2 of 4 stars). 3 submissions from 3 submitters: Uncertain significance (2). 1 of the submissions does not count toward it. Last evaluated 2022-05-22.

Conditions:
Spondyloepimetaphyseal dysplasia-short limb-abnormal calcification syndrome (SMED-SL). Also called: SMED short limb-hand type; SMED type 2; Spondylometaepiphyseal dysplasia short limb-abnormal calcification type; Smed short limb-abnormal calcification type; SMED, TYPE II; SMED-SL/AC. Identifiers: Orphanet 93358, MedGen C1849011, MONDO:0010077, OMIM 271665.

Allele frequency attached by ClinVar (database versions not stated): gnomAD exomes below 0.00001; gnomAD 0.00001.
gnomAD v4.1: 7 of 1,613,924 alleles (0.00043%); highest among the groups gnomAD compares: East Asian, 0.0022%; no homozygotes.

Submissions (3):

3billion
Classification: Uncertain significance for Spondyloepimetaphyseal dysplasia-short limb-abnormal calcification syndrome. Last evaluated: 2022-05-22. Review status: criteria provided, single submitter. Criteria: ACMG Guidelines, 2015. Collection method: clinical testing. Allele origin: germline. Affected: yes. Observed: 1 homozygote.
Comment: The variant is observed at an extremely low frequency in the gnomAD v2.1.1 dataset (total allele frequency: <0.001%). Missense changes are a common disease-causing mechanism. In silico tool predictions suggest damaging effect of the variant on gene or gene product (REVEL: 0.82; 3Cnet: 0.05). A different missense change at the same codon (p.Arg752Cys) has been reported as pathogenic/likely pathogenic with strong evidence (ClinVar ID: VCV000012313 / PMID: 19110212). Therefore, this variant is classified as likely pathogenic according to the recommendation of ACMG/AMP guideline.

Labcorp Genetics (formerly Invitae), Labcorp
Classification: Uncertain significance. Last evaluated: 2020-07-25. Review status: criteria provided, single submitter. Criteria: Invitae Variant Classification Sherloc (09022015). Collection method: clinical testing. Allele origin: germline.
Comment: This variant has not been reported in the literature in individuals with DDR2-related conditions. In summary, the available evidence is currently insufficient to determine the role of this variant in disease. Therefore, it has been classified as a Variant of Uncertain Significance. This variant disrupts the p.Arg752 nucleotide in the DDR2 gene. Other variant(s) that disrupt this nucleotide have been determined to be pathogenic (PMID: 19110212, 20223752). This suggests that this nucleotide is clinically significant, and that variants that disrupt this position are likely to be disease-causing. Algorithms developed to predict the effect of missense changes on protein structure and function (SIFT, PolyPhen-2, Align-GVGD) all suggest that this variant is likely to be disruptive, but these predictions have not been confirmed by published functional studies and their clinical significance is uncertain. This variant is not present in population databases (ExAC no frequency). This sequence change replaces arginine with histidine at codon 752 of the DDR2 protein (p.Arg752His). The arginine residue is highly conserved and there is a small physicochemical difference between arginine and histidine.

Hacettepe Pediatric Genetics Laboratory, Hacettepe University
Classification: Likely pathogenic for Spondyloepimetaphyseal dysplasia-short limb-abnormal calcification syndrome. Last evaluated: 2022-02-23. Review status: no assertion criteria provided. Collection method: clinical testing. Allele origin: germline. Inheritance: Autosomal recessive inheritance. Affected: no and yes. Observed: 2 variant alleles, 2 heterozygotes, 1 homozygote. Not counted in ClinVar's aggregate classification.
Comment: This variant was neither found in ExAC nor 1000G. This change was classified as “likely pathogenic” according to the ACMG guidelines and predicted to be disease causing by in silico analysis such as MutationTaster and SIFT. Radiological investigations demonstrated platyspondyly, a narrow thorax with short broad ribs, short and broad pelvic bones, short and broad tubular bones with irregularities at the metaphyses and epiphyses.

Literature cited by the submitters: PubMed 19110212 (cited by 3billion and Labcorp Genetics (formerly Invitae), Labcorp); PubMed 20223752 (cited by Labcorp Genetics (formerly Invitae), Labcorp).

NM_006182.4(DDR2):c.2255G>A (p.Arg752His)

Gene: DDR2 (discoidin domain receptor tyrosine kinase 2; plus strand). Cytogenetic location: 1q23.3.
Variant type: single nucleotide variant.
Coding change: c.2255G>A on transcript NM_006182.4 (MANE Select); coding-DNA position 2255, G replaced by A.
Protein change: p.Arg752His; replaces arginine 752 with histidine.
Molecular consequence: missense variant.
Genome position (GRCh38, 1-based): chr1:162,776,342, G>A. VCF-style: chr1-162776342-G-A. GRCh37 (hg19) VCF-style: chr1-162746132-G-A.
Other names: c.2255G>A, p.Arg752His (NM_001014796.3, NM_001354982.2, NM_001354983.2); short protein forms R752H.
Identifiers: ClinVar variation 1042896 (VCV001042896.10), dbSNP rs1374086542, ClinGen allele CA343416288.
Genomic context (GRCh38, chr1:162,776,342, plus strand): 5'-GCAGGAACCTGTACAGTGGTGACTATTACCGGATCCAGGGCCGGGCAGTGCTCCCTATCC[G>A]CTGGATGTCTTGGGAGAGTATCTTGCTGGTAAGTTCTCAGCATTTTAAAGCCCTGTCTAA-3'
Protein context (NP_006173.2, residues 742-762): RIQGRAVLPI[Arg752His]WMSWESILLG